The following is an entry in ClinVar:

NM_002609.4(PDGFRB):c.2857C>A (p.Gln953Lys)

Gene: PDGFRB (platelet derived growth factor receptor beta; minus strand). Cytogenetic location: 5q32.
Variant type: single nucleotide variant.
Coding change: c.2857C>A on transcript NM_002609.4 (MANE Select); coding-DNA position 2857, C replaced by A.
Protein change: p.Gln953Lys; replaces glutamine 953 with lysine.
Molecular consequence: missense variant.
Genome position (GRCh38, 1-based): chr5:150,118,794, G>T on the plus strand (C>A on the coding strand, the complement: PDGFRB is on the minus strand). VCF-style: chr5-150118794-G-T. GRCh37 (hg19) VCF-style: chr5-149498357-G-T.
Other names: c.2665C>A, p.Gln889Lys (NM_001355016.2); c.2374C>A, p.Gln792Lys (NM_001355017.2); short protein forms Q792K, Q889K, Q953K.
Identifiers: ClinVar variation 1307686 (VCV001307686.2), dbSNP rs1760044565, ClinGen allele CA361756781.
Genomic context (GRCh38, chr5:150,118,794, plus strand): 5'-TGCCTCAACATACCTTTTTGTAACCTTCGCCCAACAGTCTCTCGAGAAGCAGCACCAGCT[G>T]GGAGAAGGGGGGCCGAATCTCAAACTTCTCTTCCCAGCACTTCTGCATGATCTCATAGCT-3'
Protein context (NP_002600.1, residues 943-963): EKFEIRPPFS[Gln953Lys]LVLLLERLLG

ClinVar aggregate classification (germline): Uncertain significance (1 of 4 stars; one submission).

Allele frequency attached by ClinVar (database versions not stated): gnomAD 0.00001.

Submission:

GeneDx
Classification: Uncertain significance. Last evaluated: 2019-08-14. Review status: criteria provided, single submitter. Criteria: GeneDx Variant Classification Process June 2021. Collection method: clinical testing. Allele origin: germline. Affected: yes.
Comment: Not observed in large population cohorts (Lek et al., 2016); In silico analysis, which includes protein predictors and evolutionary conservation, supports that this variant does not alter protein structure/function; Has not been previously published as pathogenic or benign to our knowledge